The following is an entry in ClinVar:

NM_018418.5(SPATA7):c.1183C>T (p.Arg395Ter)

Gene: SPATA7 (spermatogenesis associated 7; plus strand). Cytogenetic location: 14q31.3.
Variant type: single nucleotide variant.
Coding change: c.1183C>T on transcript NM_018418.5 (MANE Select); coding-DNA position 1183, C replaced by T.
Protein change: p.Arg395Ter; replaces arginine 395 with a stop codon.
Molecular consequence: nonsense.
Genome position (GRCh38, 1-based): chr14:88,437,565, C>T. VCF-style: chr14-88437565-C-T. GRCh37 (hg19) VCF-style: chr14-88903909-C-T.
Other names: c.1087C>T, p.Arg363Ter (NM_001040428.4); short protein forms R395*, R363*.
Identifiers: ClinVar variation 1397 (VCV000001397.27), dbSNP rs75895925, ClinGen allele CA339895.

ClinVar aggregate classification (germline): Pathogenic/Likely pathogenic. Review status: criteria provided, multiple submitters, no conflicts (2 of 4 stars). 13 submissions from 13 submitters: Pathogenic (8); Likely pathogenic (2). 3 of the submissions do not count toward it. Last evaluated 2026-08-04.

Conditions:
Retinitis pigmentosa 94, variable age at onset. Identifiers: MedGen C5676889, MONDO:0800328.
SPATA7-related disorder. Also called: SPATA7-related condition; SPATA7-related disorders. Identifiers: MedGen CN239422.
Retinal dystrophy. Also called: Inherited retinal dystrophy. Identifiers: Orphanet 71862, MedGen C0854723, MeSH D058499, MONDO:0019118, HP:0000556.
Leber congenital amaurosis (LCA). Also called: Leber's amaurosis. Identifiers: Orphanet 65, MedGen C0339527, MeSH D057130, MONDO:0018998.
Leber congenital amaurosis 3 (LCA3). Also called: SPATA7-Related Retinitis Pigmentosa. Identifiers: MedGen C1858677, MONDO:0011415, OMIM 604232.

Allele frequency attached by ClinVar (database versions not stated): gnomAD 0.00001; gnomAD exomes 0.00002 and 0.00005; TOPMed 0.00002; ExAC 0.00003.
gnomAD v4.1: 24 of 1,609,924 alleles (0.0015%); highest among the groups gnomAD compares: East Asian, 0.0089%; no homozygotes.

Submissions (13):

GeneDx
Classification: Pathogenic. Last evaluated: 2026-08-04. Review status: criteria provided, single submitter. Criteria: GeneDx Variant Classification Process June 2021. Collection method: clinical testing. Allele origin: germline.
Comment: Nonsense variant predicted to result in protein truncation, as the last 205 amino acid(s) are lost, and other loss-of-function variants have been reported downstream in HGMD; This variant is associated with the following publications: (PMID: 39843441, 20301475, 32799588, 27422788, 25525159, 19268277, 32141364, 27375279, 25814828, 21310915, 21602930, 20104588, 31589614, 31964843, 31908400, 37734845)

PreventionGenetics, part of Exact Sciences
Classification: Pathogenic for SPATA7-related condition. Last evaluated: 2026-07-21. Review status: criteria provided, single submitter. Criteria: ACMG Guidelines, 2015. Collection method: clinical testing. Allele origin: germline.
Comment: The SPATA7 c.1183C>T variant is predicted to result in premature protein termination (p.Arg395*). This variant has been reported in an individual with SPATA7-related retinal disease (Wang et al. 2009. PubMed ID: 19268277; Table S3, Li et al. 2011. PubMed ID: 21602930; Supplemental table 1, Weisschuh et al. 2024. PubMed ID: 37734845). This variant is reported in 0.017% of alleles in individuals of Latino descent in gnomAD. Nonsense variants in SPATA7 are expected to be pathogenic. This variant is interpreted as pathogenic.

Labcorp Genetics (formerly Invitae), Labcorp
Classification: Pathogenic for Leber congenital amaurosis 3. Last evaluated: 2026-01-09. Review status: criteria provided, single submitter. Criteria: Invitae Variant Classification Sherloc (09022015). Collection method: clinical testing. Allele origin: germline.
Comment: This sequence change creates a premature translational stop signal (p.Arg395*) in the SPATA7 gene. While this is not anticipated to result in nonsense mediated decay, it is expected to disrupt the last 205 amino acid(s) of the SPATA7 protein. This variant is present in population databases (rs75895925, gnomAD 0.02%). This premature translational stop signal has been observed in individuals with juvenile-onset retinitis pigmentosa (PMID: 19268277, 21602930). ClinVar contains an entry for this variant (Variation ID: 1397). This variant disrupts a region of the SPATA7 protein in which other variant(s) (p.Asn454Lysfs*2) have been determined to be pathogenic (internal data). This suggests that this is a clinically significant region of the protein, and that variants that disrupt it are likely to be disease-causing. For these reasons, this variant has been classified as Pathogenic.

SingHealth Duke-NUS Institute of Precision Medicine
Classification: Likely pathogenic for Leber congenital amaurosis 3. Last evaluated: 2025-02-05. Review status: criteria provided, single submitter. Criteria: PRISM ACMG Classification Criteria. Collection method: clinical testing. Allele origin: germline. Affected: yes.
Comment: Variant is expected to truncate >30% of SPATA7 and causes LOF; LOF is a known disease mechanism for the protein (PVS1). Homozygous allele count in gnomAD exomes or genomes are less than 0 (PM2).

3billion
Classification: Pathogenic for Leber congenital amaurosis 3. Last evaluated: 2024-12-13. Review status: criteria provided, single submitter. Criteria: ACMG Guidelines, 2015. Collection method: clinical testing. Allele origin: germline. Affected: yes.
Comment: The variant is observed at an extremely low frequency in the gnomAD v4.1.0 dataset (total allele frequency: 0.001%). Predicted Consequence/Location: Stop-gained (nonsense): predicted to result in a loss or disruption of normal protein function through protein truncation. The predicted truncated protein may be shortened by more than 10%. The variant has been reported at least twice as pathogenic with clinical assertions and evidence for the classification (ClinVar ID: VCV000001397 /PMID: 19268277 /3billion dataset). Therefore, this variant is classified as Pathogenic according to the recommendation of ACMG/AMP guideline.

Blueprint Genetics
Classification: Pathogenic for SPATA7-related disorders. Last evaluated: 2024-04-19. Review status: criteria provided, single submitter. Criteria: ACMG Guidelines, 2015. Collection method: clinical testing. Allele origin: germline. Affected: yes. Observed: 4 variant alleles.

Women's Health and Genetics/Laboratory Corporation of America, LabCorp
Classification: Pathogenic for Leber congenital amaurosis. Last evaluated: 2023-12-08. Review status: criteria provided, single submitter. Criteria: LabCorp Variant Classification Summary - May 2015. Collection method: clinical testing. Allele origin: germline.
Comment: Variant summary: SPATA7 c.1183C>T (p.Arg395X) results in a premature termination codon, predicted to cause a truncation of the encoded protein, which is a commonly known mechanism for disease. The variant allele was found at a frequency of 4.8e-05 in 250134 control chromosomes. This frequency is not significantly higher than estimated for a pathogenic variant in SPATA7 causing Leber Congenital Amaurosis (4.8e-05 vs 0.00087), allowing no conclusion about variant significance. c.1183C>T has been reported either at a homozygous state or in trans along with a second pathogenic variant in at-least three individuals affected with early-onset ocular diseases including poor vision, ocular digital sign, fundus changes of attenuated vessels, tapetoretinal degeneration, retina degeneration, and/or extinguished ERG recording of rods and cones (example, Xiao_2019). These data indicate that the variant is likely to be associated with Leber Congenital Amaurosis. To our knowledge, no experimental evidence demonstrating an impact on protein function has been reported. The following publication have been ascertained in the context of this evaluation (PMID: 31908400). Three submitters have cited clinical-significance assessments for this variant to ClinVar after 2014. All submitters classified the variant as pathogenic. Based on the evidence outlined above, the variant was classified as pathogenic.

Dept Of Ophthalmology, Nagoya University
Classification: Likely pathogenic for Retinal dystrophy. Last evaluated: 2023-10-01. Review status: criteria provided, single submitter. Criteria: Submitter's publication. Collection method: research. Allele origin: germline. Affected: yes.

Institute of Medical Genetics and Applied Genomics, University Hospital Tübingen
Classification: Pathogenic. Last evaluated: 2021-02-01. Review status: criteria provided, single submitter. Criteria: ACMG Guidelines, 2015. Collection method: clinical testing. Allele origin: germline. Inheritance: Autosomal recessive inheritance. Affected: yes.

Institute of Human Genetics, Univ. Regensburg, Univ. Regensburg
Classification: Pathogenic for Retinal dystrophy. Last evaluated: 2019-01-01. Review status: criteria provided, single submitter. Criteria: ACMG Guidelines, 2015. Collection method: clinical testing. Allele origin: germline. Affected: yes.

OMIM
Classification: Pathogenic for RETINITIS PIGMENTOSA 94, VARIABLE AGE AT ONSET. Last evaluated: 2009-03-01. Review status: no assertion criteria provided. Collection method: literature only. Allele origin: germline. Not counted in ClinVar's aggregate classification.

GeneReviews
No classification provided. Condition: Leber congenital amaurosis 3. Review status: no classification provided. Collection method: literature only. Allele origin: unknown. Not counted in ClinVar's aggregate classification.

Laboratory of Genetics in Ophthalmology, Institut Imagine
Classification: Pathogenic for Leber congenital amaurosis 3. Review status: no assertion criteria provided. Collection method: research. Allele origin: inherited. Affected: yes. Observed: 3 variant alleles. Not counted in ClinVar's aggregate classification.

Literature cited by the submitters: PubMed 19268277 (cited by 6 submitters); PubMed 21602930 (cited by Labcorp Genetics (formerly Invitae), Labcorp and Institute of Human Genetics, Univ. Regensburg, Univ. Regensburg); PubMed 31908400 (cited by Women's Health and Genetics/Laboratory Corporation of America, LabCorp and Institute of Human Genetics, Univ. Regensburg, Univ. Regensburg); PubMed 25525159 (cited by Institute of Human Genetics, Univ. Regensburg, Univ. Regensburg); PubMed 31589614 (cited by Institute of Human Genetics, Univ. Regensburg, Univ. Regensburg); PubMed 31964843 (cited by Institute of Human Genetics, Univ. Regensburg, Univ. Regensburg); PubMed 32141364 (cited by Institute of Human Genetics, Univ. Regensburg, Univ. Regensburg); PubMed 20301475 (cited by GeneReviews); NCBI Bookshelf NBK1298 (cited by GeneReviews).